The following is an entry in ClinVar:

ClinVar aggregate classification (germline): Uncertain significance (1 of 4 stars; one submission).

Allele frequency attached by ClinVar (database versions not stated): gnomAD exomes below 0.00001; ExAC 0.00001.

Submission:

Labcorp Genetics (formerly Invitae), Labcorp
Classification: Uncertain significance. Last evaluated: 2024-10-15. Review status: criteria provided, single submitter. Criteria: Invitae Variant Classification Sherloc (09022015). Collection method: clinical testing. Allele origin: germline.
Comment: This sequence change replaces methionine, which is neutral and non-polar, with leucine, which is neutral and non-polar, at codon 24 of the TBX20 protein (p.Met24Leu). This variant is present in population databases (rs750946315, gnomAD 0.003%). This missense change has been observed in individual(s) with TBX20-related conditions (PMID: 35352813). ClinVar contains an entry for this variant (Variation ID: 1429958). An algorithm developed to predict the effect of missense changes on protein structure and function (PolyPhen-2) suggests that this variant is likely to be tolerated. In summary, the available evidence is currently insufficient to determine the role of this variant in disease. Therefore, it has been classified as a Variant of Uncertain Significance.

Literature cited by the submitters: PubMed 35352813.

NM_001077653.2(TBX20):c.70A>C (p.Met24Leu)

Gene: TBX20 (T-box transcription factor 20; minus strand). Cytogenetic location: 7p14.2.
Variant type: single nucleotide variant.
Coding change: c.70A>C on transcript NM_001077653.2 (MANE Select); coding-DNA position 70, A replaced by C.
Protein change: p.Met24Leu; replaces methionine 24 with leucine.
Molecular consequence: missense variant.
Genome position (GRCh38, 1-based): chr7:35,253,551, T>G on the plus strand (A>C on the coding strand, the complement: TBX20 is on the minus strand). VCF-style: chr7-35253551-T-G. GRCh37 (hg19) VCF-style: chr7-35293162-T-G.
Other names: c.70A>C, p.Met24Leu (NM_001166220.1); short protein forms M24L.
Identifiers: ClinVar variation 1429958 (VCV001429958.8), dbSNP rs750946315, ClinGen allele CA4217608.
Genomic context (GRCh38, chr7:35,253,551, plus strand): 5'-TACCCAGGGGTTTGATTGTGTTCTCCGTCGCCTCCTTCTCCTTAGAGCCGCCGCTCGACA[T>G]GAGCGCGGCAATGGAGAAGGCGTTGGCCCGAGAGGAGAGTTGGGGCTTGGGGGACGCCGT-3'
Protein context (NP_001071121.1, residues 14-34): RANAFSIAAL[Met24Leu]SSGGSKEKEA